The following is an entry in ClinVar:

ClinVar aggregate classification (germline): Uncertain significance (1 of 4 stars; one submission).

Conditions:
Epilepsy, childhood absence, susceptibility to, 1. Also called: Epilepsy, childhood absence 1. Identifiers: Orphanet 64280, MedGen C1838604, MONDO:0020759, OMIM 600131.
Epilepsy, childhood absence, susceptibility to, 5. Identifiers: Orphanet 64280, MedGen C2677087, MONDO:0012843, OMIM 612269.

gnomAD v4.1: 2 of 1,614,182 alleles (0.00012%); highest among the groups gnomAD compares: Non-Finnish European, 0.00017%; no homozygotes.

Submission:

Labcorp Genetics (formerly Invitae), Labcorp
Classification: Uncertain significance for Epilepsy, childhood absence, susceptibility to, 5; Epilepsy, childhood absence, susceptibility to, 1. Last evaluated: 2026-01-28. Review status: criteria provided, single submitter. Criteria: Invitae Variant Classification Sherloc (09022015). Collection method: clinical testing. Allele origin: germline.
Comment: This sequence change replaces leucine, which is neutral and non-polar, with phenylalanine, which is neutral and non-polar, at codon 208 of the GABRB3 protein (p.Leu208Phe). This variant is not present in population databases (gnomAD no frequency). This variant has not been reported in the literature in individuals affected with GABRB3-related conditions. Invitae Evidence Modeling of protein sequence and biophysical properties (such as structural, functional, and spatial information, amino acid conservation, physicochemical variation, residue mobility, and thermodynamic stability) indicates that this missense variant is expected to disrupt GABRB3 protein function with a positive predictive value of 95%. In summary, the available evidence is currently insufficient to determine the role of this variant in disease. Therefore, it has been classified as a Variant of Uncertain Significance.

NM_000814.6(GABRB3):c.622C>T (p.Leu208Phe)

Gene: GABRB3 (gamma-aminobutyric acid type A receptor subunit beta3; minus strand). Cytogenetic location: 15q12.
Variant type: single nucleotide variant.
Coding change: c.622C>T on transcript NM_000814.6 (MANE Select); coding-DNA position 622, C replaced by T.
Protein change: p.Leu208Phe; replaces leucine 208 with phenylalanine.
Molecular consequence: missense variant.
Genome position (GRCh38, 1-based): chr15:26,580,379, G>A on the plus strand (C>T on the coding strand, the complement: GABRB3 is on the minus strand). VCF-style: chr15-26580379-G-A. GRCh37 (hg19) VCF-style: chr15-26825526-G-A.
Other names: c.367C>T, p.Leu123Phe (NM_001191320.2, NM_001278631.2); c.409C>T, p.Leu137Phe (NM_001191321.3); c.622C>T, p.Leu208Phe (NM_021912.5); short protein forms L137F, L208F, L123F.
Identifiers: ClinVar variation 4789621 (VCV004789621.1).